The following is an entry in ClinVar:

NM_000051.4(ATM):c.6438T>G (p.Ser2146Arg)

Genes: ATM (ATM serine/threonine kinase; plus strand), C11orf65 (chromosome 11 open reading frame 65; minus strand). Cytogenetic location: 11q22.3.
Variant type: single nucleotide variant.
Coding change: c.6438T>G on transcript NM_000051.4 (MANE Select); coding-DNA position 6438, T replaced by G.
Protein change: p.Ser2146Arg; replaces serine 2146 with arginine.
Molecular consequence: missense variant. On other transcripts: intron variant (2).
Genome position (GRCh38, 1-based): chr11:108,320,044, T>G. VCF-style: chr11-108320044-T-G. GRCh37 (hg19) VCF-style: chr11-108190771-T-G.
Other names: c.6438T>G, p.Ser2146Arg (NM_001351834.2); c.641-10973A>C (NM_001330368.2); c.*39-10973A>C (NM_001351110.2); short protein forms S2146R.
Identifiers: ClinVar variation 864450 (VCV000864450.10), dbSNP rs748544160, ClinGen allele CA382553600.

ClinVar aggregate classification (germline): Uncertain significance (1 of 4 stars; one submission).

Conditions:
Ataxia-telangiectasia syndrome (AT). Also called: ATAXIA-TELANGIECTASIA, COMPLEMENTATION GROUP A; ATAXIA-TELANGIECTASIA, FRESNO VARIANT; Ataxia-telangiectasia; Ataxia-telangiectasia, complementation group D; AT, COMPLEMENTATION GROUP C; Ataxia-telangiectasia, complementation group E. Identifiers: Orphanet 100, MedGen C0004135, MONDO:0008840, OMIM 208900.

Submission:

Labcorp Genetics (formerly Invitae), Labcorp
Classification: Uncertain significance for Ataxia-telangiectasia syndrome. Last evaluated: 2019-04-12. Review status: criteria provided, single submitter. Criteria: Invitae Variant Classification Sherloc (09022015). Collection method: clinical testing. Allele origin: germline.
Comment: This sequence change replaces serine with arginine at codon 2146 of the ATM protein (p.Ser2146Arg). The serine residue is weakly conserved and there is a moderate physicochemical difference between serine and arginine. This variant is not present in population databases (ExAC no frequency). This variant has not been reported in the literature in individuals with ATM-related conditions. Algorithms developed to predict the effect of missense changes on protein structure and function (SIFT, PolyPhen-2, Align-GVGD) all suggest that this variant is likely to be tolerated, but these predictions have not been confirmed by published functional studies and their clinical significance is uncertain. In summary, the available evidence is currently insufficient to determine the role of this variant in disease. Therefore, it has been classified as a Variant of Uncertain Significance.